The following is an entry in ClinVar:

ClinVar aggregate classification (germline): Uncertain significance. Review status: criteria provided, multiple submitters, no conflicts (2 of 4 stars). 2 submissions from 2 submitters: Uncertain significance (2). Last evaluated 2023-11-02.

Conditions:
Familial thoracic aortic aneurysm and aortic dissection (TAAD). Also called: Thoracic aortic aneurysms and dissections. Identifiers: Orphanet 91387, MedGen C4707243, MONDO:0019625.
Marfan syndrome (MFS). Also called: MARFAN SYNDROME, TYPE I; Marfan syndrome type 1; Marfan's syndrome; Marfan syndrome, classic; FBN1-Related Marfan Syndrome. Identifiers: Orphanet 284963, Orphanet 558, MedGen C0024796, MONDO:0007947, OMIM 154700.

Submissions (2):

All of Us Research Program, National Institutes of Health
Classification: Uncertain significance for Marfan syndrome. Last evaluated: 2023-11-02. Review status: criteria provided, single submitter. Criteria: ACMG Guidelines, 2015. Collection method: clinical testing. Allele origin: germline. Inheritance: Autosomal dominant inheritance. Observed: 1 variant allele, 1 heterozygote.
Comment: This missense variant replaces aspartic acid with glutamic acid at codon 1322 of the FBN1 protein. Computational prediction suggests that this variant may have deleterious impact on protein structure and function (internally defined REVEL score threshold >= 0.7, PMID: 27666373). To our knowledge, functional studies have not been reported for this variant. This variant has not been reported in individuals affected with FBN1-related disorders in the literature. This variant has not been identified in the general population by the Genome Aggregation Database (gnomAD). The available evidence is insufficient to determine the role of this variant in disease conclusively. Therefore, this variant is classified as a Variant of Uncertain Significance.

This study involves interpretation of variants in research participants for the purpose of population health screening. Participant phenotype was not available at the time of variant classification. Additional details can be found in publication PMID: 35346344, PMCID: PMC8962531

Color Diagnostics, LLC DBA Color Health
Classification: Uncertain significance for Familial thoracic aortic aneurysm and aortic dissection. Last evaluated: 2023-10-16. Review status: criteria provided, single submitter. Criteria: ACMG Guidelines, 2015. Collection method: clinical testing. Allele origin: germline.
Comment: This missense variant replaces aspartic acid with glutamic acid at codon 1322 of the FBN1 protein. Computational prediction suggests that this variant may have deleterious impact on protein structure and function (internally defined REVEL score threshold >= 0.7, PMID: 27666373). To our knowledge, functional studies have not been reported for this variant. This variant has not been reported in individuals affected with FBN1-related disorders in the literature. This variant has not been identified in the general population by the Genome Aggregation Database (gnomAD). The available evidence is insufficient to determine the role of this variant in disease conclusively. Therefore, this variant is classified as a Variant of Uncertain Significance.

NM_000138.5(FBN1):c.3966C>G (p.Asp1322Glu)

Gene: FBN1 (fibrillin 1; minus strand). Cytogenetic location: 15q21.1.
Variant type: single nucleotide variant.
Coding change: c.3966C>G on transcript NM_000138.5 (MANE Select); coding-DNA position 3966, C replaced by G.
Protein change: p.Asp1322Glu; replaces aspartic acid 1322 with glutamic acid.
Molecular consequence: missense variant.
Genome position (GRCh38, 1-based): chr15:48,474,649, G>C on the plus strand (C>G on the coding strand, the complement: FBN1 is on the minus strand). VCF-style: chr15-48474649-G-C. GRCh37 (hg19) VCF-style: chr15-48766846-G-C.
Other names: c.3966C>G, p.Asp1322Glu (NM_001406716.1); short protein forms D1322E.
Identifiers: ClinVar variation 3074340 (VCV003074340.2), dbSNP rs2141280317, ClinGen allele CA392320665.